The following is an entry in ClinVar:

NM_000059.4(BRCA2):c.9784C>G (p.Gln3262Glu)

Gene: BRCA2 (BRCA2 DNA repair associated; plus strand). Cytogenetic location: 13q13.1.
Variant type: single nucleotide variant.
Coding change: c.9784C>G on transcript NM_000059.4 (MANE Select); coding-DNA position 9784, C replaced by G.
Protein change: p.Gln3262Glu; replaces glutamine 3262 with glutamic acid.
Molecular consequence: missense variant.
Genome position (GRCh38, 1-based): chr13:32,398,297, C>G. VCF-style: chr13-32398297-C-G. GRCh37 (hg19) VCF-style: chr13-32972434-C-G.
Other names: short protein forms Q3262E.
Identifiers: ClinVar variation 629157 (VCV000629157.5), dbSNP rs1566261010, ClinGen allele CA387765940.
Genomic context (GRCh38, chr13:32,398,297, plus strand): 5'-ACACCTGTCTCAGCCCAGATGACTTCAAAGTCTTGTAAAGGGGAGAAAGAGATTGATGAC[C>G]AAAAGAACTGCAAAAAGAGAAGAGCCTTGGATTTCTTGAGTAGACTGCCTTTACCTCCAC-3'
Protein context (NP_000050.3, residues 3252-3272): SCKGEKEIDD[Gln3262Glu]KNCKKRRALD

ClinVar aggregate classification (germline): Uncertain significance (1 of 4 stars; one submission).

Conditions:
Hereditary cancer-predisposing syndrome. Also called: Neoplastic Syndromes, Hereditary; Tumor predisposition; Hereditary neoplastic syndrome; Hereditary Cancer Syndrome. Identifiers: Orphanet 140162, MedGen C0027672, MeSH D009386, MONDO:0015356.

Submission:

Color Diagnostics, LLC DBA Color Health
Classification: Uncertain significance for Hereditary cancer-predisposing syndrome. Last evaluated: 2023-12-05. Review status: criteria provided, single submitter. Criteria: ACMG Guidelines, 2015. Collection method: clinical testing. Allele origin: germline.
Comment: This missense variant replaces glutamine with glutamic acid at codon 3262 of the BRCA2 protein. Computational prediction suggests that this variant may not impact protein structure and function (internally defined REVEL score threshold <= 0.5, PMID: 27666373). To our knowledge, functional studies have not been reported for this variant. This variant has not been reported in individuals affected with BRCA2-related disorders in the literature. This variant has not been identified in the general population by the Genome Aggregation Database (gnomAD). The available evidence is insufficient to determine the role of this variant in disease conclusively. Therefore, this variant is classified as a Variant of Uncertain Significance.